The following is an entry in ClinVar:

NM_004104.5(FASN):c.7073G>A (p.Gly2358Asp)

Gene: FASN (fatty acid synthase; minus strand). Cytogenetic location: 17q25.3.
Variant type: single nucleotide variant.
Coding change: c.7073G>A on transcript NM_004104.5 (MANE Select); coding-DNA position 7073, G replaced by A.
Protein change: p.Gly2358Asp; replaces glycine 2358 with aspartic acid.
Molecular consequence: missense variant.
Genome position (GRCh38, 1-based): chr17:82,080,213, C>T on the plus strand (G>A on the coding strand, the complement: FASN is on the minus strand). VCF-style: chr17-82080213-C-T. GRCh37 (hg19) VCF-style: chr17-80038089-C-T.
Other names: short protein forms G2358D.
Identifiers: ClinVar variation 2631390 (VCV002631390.1), dbSNP rs1281643667, ClinGen allele CA401597558.

ClinVar aggregate classification (germline): Uncertain significance (1 of 4 stars; one submission).

Conditions:
FASN-related disorder. Also called: FASN-related condition.

Allele frequency attached by ClinVar (database versions not stated): TOPMed below 0.00001; gnomAD 0.00001.
gnomAD v4.1: 1 of 1,613,064 alleles (0.000062%); highest among the groups gnomAD compares: Non-Finnish European, 0.000085%; no homozygotes.

Submission:

PreventionGenetics, part of Exact Sciences
Classification: Uncertain significance for FASN-related condition. Last evaluated: 2023-08-16. Review status: criteria provided, single submitter. Criteria: ACMG Guidelines, 2015. Collection method: clinical testing. Allele origin: germline.
Comment: The FASN c.7073G>A variant is predicted to result in the amino acid substitution p.Gly2358Asp. To our knowledge, this variant has not been reported in the literature or in a large population database, indicating this variant is rare. At this time, the clinical significance of this variant is uncertain due to the absence of conclusive functional and genetic evidence.